The following is an entry in ClinVar:

ClinVar aggregate classification (germline): Uncertain significance. Review status: criteria provided, single submitter (1 of 4 stars). 2 submissions from 2 submitters: Uncertain significance (1). 1 of the submissions does not count toward it. Last evaluated 2024-11-11.

Conditions:
Glycogen storage disease type III (GSD3). Also called: Cori disease; FORBES DISEASE. Identifiers: Orphanet 366, MedGen C0017922, MONDO:0009291, OMIM 232400.

Allele frequency attached by ClinVar (database versions not stated): TOPMed 0.00002; gnomAD 0.00003 and 0.00005; ESP Exome Variant Server 0.00015.
gnomAD v4.1: 9 of 1,613,450 alleles (0.00056%); highest among the groups gnomAD compares: African/African-American, 0.011%; no homozygotes.

Submissions (2):

Labcorp Genetics (formerly Invitae), Labcorp
Classification: Uncertain significance for Glycogen storage disease type III. Last evaluated: 2024-11-11. Review status: criteria provided, single submitter. Criteria: Invitae Variant Classification Sherloc (09022015). Collection method: clinical testing. Allele origin: germline.
Comment: This sequence change replaces cysteine, which is neutral and slightly polar, with tyrosine, which is neutral and polar, at codon 1081 of the AGL protein (p.Cys1081Tyr). This variant is present in population databases (rs147375385, gnomAD 0.007%). This variant has not been reported in the literature in individuals affected with AGL-related conditions. ClinVar contains an entry for this variant (Variation ID: 653347). Invitae Evidence Modeling of protein sequence and biophysical properties (such as structural, functional, and spatial information, amino acid conservation, physicochemical variation, residue mobility, and thermodynamic stability) indicates that this missense variant is expected to disrupt AGL protein function with a positive predictive value of 80%. In summary, the available evidence is currently insufficient to determine the role of this variant in disease. Therefore, it has been classified as a Variant of Uncertain Significance.

Natera, Inc.
Classification: Uncertain significance for Glycogen storage disease type III. Last evaluated: 2020-10-28. Review status: no assertion criteria provided. Collection method: clinical testing. Allele origin: germline. Not counted in ClinVar's aggregate classification.

NM_000642.3(AGL):c.3242G>A (p.Cys1081Tyr)

Gene: AGL (amylo-alpha-1,6-glucosidase and 4-alpha-glucanotransferase; plus strand). Cytogenetic location: 1p21.2.
Variant type: single nucleotide variant.
Coding change: c.3242G>A on transcript NM_000642.3 (MANE Select); coding-DNA position 3242, G replaced by A.
Protein change: p.Cys1081Tyr; replaces cysteine 1081 with tyrosine.
Molecular consequence: missense variant.
Genome position (GRCh38, 1-based): chr1:99,892,590, G>A. VCF-style: chr1-99892590-G-A. GRCh37 (hg19) VCF-style: chr1-100358146-G-A.
Other names: c.3242G>A, p.Cys1081Tyr (NM_000028.3, NM_000643.3, NM_000644.3 and 1 more transcripts); c.3194G>A, p.Cys1065Tyr (NM_000646.3); c.3221G>A, p.Cys1074Tyr (NM_001425326.1); c.3041G>A, p.Cys1014Tyr (NM_001425327.1); c.3038G>A, p.Cys1013Tyr (NM_001425328.1); c.2903G>A, p.Cys968Tyr (NM_001425329.1); c.2864G>A, p.Cys955Tyr (NM_001425332.1); short protein forms C1065Y, C1081Y, C1013Y, C1014Y, C1074Y, C955Y, C968Y.
Identifiers: ClinVar variation 653347 (VCV000653347.13), dbSNP rs147375385, ClinGen allele CA967006.